The following is an entry in ClinVar:

NM_014285.7(EXOSC2):c.688G>A (p.Asp230Asn)

Gene: EXOSC2 (exosome component 2; plus strand). Cytogenetic location: 9q34.12.
Variant type: single nucleotide variant.
Coding change: c.688G>A on transcript NM_014285.7 (MANE Select); coding-DNA position 688, G replaced by A.
Protein change: p.Asp230Asn; replaces aspartic acid 230 with asparagine.
Molecular consequence: missense variant. On other transcripts: non-coding transcript variant (1).
Genome position (GRCh38, 1-based): chr9:130,703,068, G>A. VCF-style: chr9-130703068-G-A. GRCh37 (hg19) VCF-style: chr9-133578455-G-A.
Other names: c.610G>A, p.Asp204Asn (NM_001282708.1); c.598G>A, p.Asp200Asn (NM_001282709.1); short protein forms D200N, D204N, D230N.
Identifiers: ClinVar variation 1407206 (VCV001407206.8), dbSNP rs2132644650, ClinGen allele CA375248210.

ClinVar aggregate classification (germline): Uncertain significance (1 of 4 stars; one submission).

Allele frequency attached by ClinVar (database versions not stated): gnomAD exomes below 0.00001.
gnomAD v4.1: 1 of 1,613,578 alleles (0.000062%); highest among the groups gnomAD compares: East Asian, 0.0022%; no homozygotes.

Submission:

Labcorp Genetics (formerly Invitae), Labcorp
Classification: Uncertain significance. Last evaluated: 2022-07-05. Review status: criteria provided, single submitter. Criteria: Invitae Variant Classification Sherloc (09022015). Collection method: clinical testing. Allele origin: germline.
Comment: Algorithms developed to predict the effect of missense changes on protein structure and function (SIFT, PolyPhen-2, Align-GVGD) all suggest that this variant is likely to be tolerated. In summary, the available evidence is currently insufficient to determine the role of this variant in disease. Therefore, it has been classified as a Variant of Uncertain Significance. ClinVar contains an entry for this variant (Variation ID: 1407206). This variant has not been reported in the literature in individuals affected with EXOSC2-related conditions. This variant is not present in population databases (gnomAD no frequency). This sequence change replaces aspartic acid, which is acidic and polar, with asparagine, which is neutral and polar, at codon 230 of the EXOSC2 protein (p.Asp230Asn).